The following is an entry in ClinVar:

ClinVar aggregate classification (germline): Uncertain significance (1 of 4 stars; one submission).

Submission:

GeneDx
Classification: Uncertain significance. Last evaluated: 2026-10-09. Review status: criteria provided, single submitter. Criteria: GeneDx Variant Classification Process June 2021. Collection method: clinical testing. Allele origin: germline.
Comment: Not observed at significant frequency in large population cohorts (gnomAD); In silico analysis supports that this missense variant has a deleterious effect on protein structure/function; Has not been previously published as pathogenic or benign to our knowledge

NM_002911.4(UPF1):c.1276G>T (p.Ala426Ser)

Gene: UPF1 (UPF1 RNA helicase and ATPase; plus strand). Cytogenetic location: 19p13.11.
Variant type: single nucleotide variant.
Coding change: c.1276G>T on transcript NM_002911.4 (MANE Select); coding-DNA position 1276, G replaced by T.
Protein change: p.Ala426Ser; replaces alanine 426 with serine.
Molecular consequence: missense variant.
Genome position (GRCh38, 1-based): chr19:18,854,889, G>T. VCF-style: chr19-18854889-G-T. GRCh37 (hg19) VCF-style: chr19-18965698-G-T.
Other names: c.1309G>T, p.Ala437Ser (NM_001297549.2); short protein forms A426S, A437S.
Identifiers: ClinVar variation 3898869 (VCV003898869.2).